The following is an entry in ClinVar:

NM_199420.4(POLQ):c.7436A>G (p.Asp2479Gly)

Gene: POLQ (DNA polymerase theta; minus strand). Cytogenetic location: 3q13.33.
Variant type: single nucleotide variant.
Coding change: c.7436A>G on transcript NM_199420.4 (MANE Select); coding-DNA position 7436, A replaced by G.
Protein change: p.Asp2479Gly; replaces aspartic acid 2479 with glycine.
Molecular consequence: missense variant.
Genome position (GRCh38, 1-based): chr3:121,436,229, T>C on the plus strand (A>G on the coding strand, the complement: POLQ is on the minus strand). VCF-style: chr3-121436229-T-C. GRCh37 (hg19) VCF-style: chr3-121155076-T-C.
Other names: short protein forms D2479G.
Identifiers: ClinVar variation 1758904 (VCV001758904.2), dbSNP rs377399132, ClinGen allele CA2562173.

ClinVar aggregate classification (germline): Uncertain significance (1 of 4 stars; one submission).

Allele frequency attached by ClinVar (database versions not stated): ExAC 0.00001; gnomAD 0.00001; gnomAD exomes 0.00001; TOPMed 0.00001; ESP Exome Variant Server 0.00015.
gnomAD v4.1: 14 of 1,613,750 alleles (0.00087%); highest among the groups gnomAD compares: Non-Finnish European, 0.0011%; no homozygotes.

Submission:

Ambry Genetics
Classification: Uncertain significance. Last evaluated: 2023-09-23. Review status: criteria provided, single submitter. Criteria: Ambry Variant Classification Scheme 2023. Collection method: clinical testing. Allele origin: germline.
Comment: The p.D2479G variant (also known as c.7436A>G), located in coding exon 28 of the POLQ gene, results from an A to G substitution at nucleotide position 7436. The aspartic acid at codon 2479 is replaced by glycine, an amino acid with similar properties. This amino acid position is conserved. In addition, this alteration is predicted to be deleterious by in silico analysis. Since supporting evidence is limited at this time, the clinical significance of this alteration remains unclear.